The following is an entry in ClinVar:

NM_006904.7(PRKDC):c.4719A>T (p.Lys1573Asn)

Gene: PRKDC (protein kinase, DNA-activated, catalytic subunit; minus strand). Cytogenetic location: 8q11.21.
Variant type: single nucleotide variant.
Coding change: c.4719A>T on transcript NM_006904.7 (MANE Select); coding-DNA position 4719, A replaced by T.
Protein change: p.Lys1573Asn; replaces lysine 1573 with asparagine.
Molecular consequence: missense variant.
Genome position (GRCh38, 1-based): chr8:47,886,001, T>A on the plus strand (A>T on the coding strand, the complement: PRKDC is on the minus strand). VCF-style: chr8-47886001-T-A. GRCh37 (hg19) VCF-style: chr8-48798562-T-A.
Other names: c.4719A>T, p.Lys1573Asn (NM_001081640.2); short protein forms K1573N.
Identifiers: ClinVar variation 1742628 (VCV001742628.2), dbSNP rs2551873128, ClinGen allele CA371142849.

ClinVar aggregate classification (germline): Uncertain significance (1 of 4 stars; one submission).

Submission:

Ambry Genetics
Classification: Uncertain significance. Last evaluated: 2021-11-17. Review status: criteria provided, single submitter. Criteria: Ambry Variant Classification Scheme 2023. Collection method: clinical testing. Allele origin: germline.
Comment: The p.K1573N variant (also known as c.4719A>T), located in coding exon 36 of the PRKDC gene, results from an A to T substitution at nucleotide position 4719. The lysine at codon 1573 is replaced by asparagine, an amino acid with similar properties. This amino acid position is conserved. In addition, this alteration is predicted to be tolerated by in silico analysis. Since supporting evidence is limited at this time, the clinical significance of this alteration remains unclear.